The following is an entry in ClinVar:

NM_000245.4(MET):c.1390C>G (p.Gln464Glu)

Gene: MET (MET proto-oncogene, receptor tyrosine kinase; plus strand). Cytogenetic location: 7q31.2.
Variant type: single nucleotide variant.
Coding change: c.1390C>G on transcript NM_000245.4 (MANE Select); coding-DNA position 1390, C replaced by G.
Protein change: p.Gln464Glu; replaces glutamine 464 with glutamic acid.
Molecular consequence: missense variant.
Genome position (GRCh38, 1-based): chr7:116,731,857, C>G. VCF-style: chr7-116731857-C-G. GRCh37 (hg19) VCF-style: chr7-116371911-C-G.
Other names: c.1390C>G, p.Gln464Glu (NM_001127500.3, NM_001324401.3); c.100C>G, p.Gln34Glu (NM_001324402.2); short protein forms Q34E, Q464E.
Identifiers: ClinVar variation 819092 (VCV000819092.7), dbSNP rs1584914402, ClinGen allele CA368973163.

ClinVar aggregate classification (germline): Uncertain significance. Review status: criteria provided, multiple submitters, no conflicts (2 of 4 stars). 2 submissions from 2 submitters: Uncertain significance (2). Last evaluated 2024-08-13.

Conditions:
Renal cell carcinoma. Identifiers: Orphanet 217071, MedGen C0007134, MeSH D002292, MONDO:0005086, HP:0005584.
Hereditary cancer-predisposing syndrome. Also called: Tumor predisposition; Hereditary neoplastic syndrome; Neoplastic Syndromes, Hereditary; Hereditary Cancer Syndrome. Identifiers: Orphanet 140162, MedGen C0027672, MeSH D009386, MONDO:0015356.

Allele frequency attached by ClinVar (database versions not stated): gnomAD exomes below 0.00001.
gnomAD v4.1: 2 of 1,613,902 alleles (0.00012%); highest among the groups gnomAD compares: Non-Finnish European, 0.00017%; no homozygotes.

Submissions (2):

Labcorp Genetics (formerly Invitae), Labcorp
Classification: Uncertain significance for Renal cell carcinoma. Last evaluated: 2024-08-13. Review status: criteria provided, single submitter. Criteria: Invitae Variant Classification Sherloc (09022015). Collection method: clinical testing. Allele origin: germline.
Comment: This sequence change replaces glutamine, which is neutral and polar, with glutamic acid, which is acidic and polar, at codon 464 of the MET protein (p.Gln464Glu). This variant is not present in population databases (gnomAD no frequency). This variant has not been reported in the literature in individuals affected with MET-related conditions. ClinVar contains an entry for this variant (Variation ID: 819092). An algorithm developed to predict the effect of missense changes on protein structure and function (PolyPhen-2) suggests that this variant is likely to be disruptive. In summary, the available evidence is currently insufficient to determine the role of this variant in disease. Therefore, it has been classified as a Variant of Uncertain Significance.

Ambry Genetics
Classification: Uncertain significance for Hereditary cancer-predisposing syndrome. Last evaluated: 2024-06-08. Review status: criteria provided, single submitter. Criteria: Ambry Variant Classification Scheme 2023. Collection method: clinical testing. Allele origin: germline.
Comment: The p.Q464E variant (also known as c.1390C>G), located in coding exon 2 of the MET gene, results from a C to G substitution at nucleotide position 1390. The glutamine at codon 464 is replaced by glutamic acid, an amino acid with highly similar properties. This amino acid position is highly conserved in available vertebrate species. In addition, the in silico prediction for this alteration is inconclusive. Since supporting evidence is limited at this time, the clinical significance of this alteration remains unclear.